The following is an entry in ClinVar:

NM_024422.6(DSC2):c.1276G>A (p.Glu426Lys)

Gene: DSC2 (desmocollin 2; minus strand). Cytogenetic location: 18q12.1.
Variant type: single nucleotide variant.
Coding change: c.1276G>A on transcript NM_024422.6 (MANE Select); coding-DNA position 1276, G replaced by A.
Protein change: p.Glu426Lys; replaces glutamic acid 426 with lysine.
Molecular consequence: missense variant.
Genome position (GRCh38, 1-based): chr18:31,080,340, C>T on the plus strand (G>A on the coding strand, the complement: DSC2 is on the minus strand). VCF-style: chr18-31080340-C-T. GRCh37 (hg19) VCF-style: chr18-28660306-C-T.
Other names: p.E426K:GAA>AAA; c.1276G>A, p.Glu426Lys (NM_004949.5); short protein forms E426K.
Identifiers: ClinVar variation 199783 (VCV000199783.7), dbSNP rs794728076, ClinGen allele CA022445.

ClinVar aggregate classification (germline): Uncertain significance. Review status: criteria provided, multiple submitters, no conflicts (2 of 4 stars). 2 submissions from 2 submitters: Uncertain significance (2). Last evaluated 2025-12-17.

Conditions:
Cardiomyopathy (CMYO). Also called: Cardiomyopathies. Identifiers: Orphanet 167848, MedGen C0878544, MONDO:0004994, HP:0001638. Inheritance: Various modes of inheritance.

Allele frequency attached by ClinVar (database versions not stated): gnomAD exomes below 0.00001.
gnomAD v4.1: 1 of 1,613,860 alleles (0.000062%); highest among the groups gnomAD compares: East Asian, 0.0022%; no homozygotes.

Submissions (2):

GeneDx
Classification: Uncertain significance. Last evaluated: 2025-12-17. Review status: criteria provided, single submitter. Criteria: GeneDx Variant Classification Process June 2021. Collection method: clinical testing. Allele origin: germline. Affected: yes.
Comment: Identified in an individual with ARVC who has an additional variant in the RYR2 gene (PMID: 23810894); Not observed at significant frequency in large population cohorts (gnomAD); In silico analysis supports that this missense variant has a deleterious effect on protein structure/function; In silico analysis is inconclusive as to whether the variant alters gene splicing. In the absence of RNA/functional studies, the actual effect of this sequence change is unknown.; This variant is associated with the following publications: (PMID: 24585727, 31402444, 25616645, 25820315, 23810894, 28588093)

Color Diagnostics, LLC DBA Color Health
Classification: Uncertain significance for Cardiomyopathy. Last evaluated: 2021-09-15. Review status: criteria provided, single submitter. Criteria: ACMG Guidelines, 2015. Collection method: clinical testing. Allele origin: germline.
Comment: This missense variant replaces glutamic acid with lysine at codon 426 of the DSC2 protein. Computational prediction is inconclusive regarding the impact of this variant on protein structure and function (internally defined REVEL score threshold 0.5 < inconclusive < 0.7, PMID: 27666373). To our knowledge, functional studies have not been reported for this variant. This variant has been reported in individuals affected with arrhythmogenic right ventricular dysplasia/cardiomyopathy (PMID: 24585727, 25820315, 28588093). This variant has not been identified in the general population by the Genome Aggregation Database (gnomAD). The available evidence is insufficient to determine the role of this variant in disease conclusively. Therefore, this variant is classified as a Variant of Uncertain Significance.

Literature cited by the submitters: PubMed 24585727 (cited by Color Diagnostics, LLC DBA Color Health); PubMed 25820315 (cited by Color Diagnostics, LLC DBA Color Health); PubMed 28588093 (cited by Color Diagnostics, LLC DBA Color Health).